The following is an entry in ClinVar:

NM_001164508.2(NEB):c.9702G>A (p.Gln3234=)

Gene: NEB (nebulin; minus strand). Cytogenetic location: 2q23.3.
Variant type: single nucleotide variant.
Coding change: c.9702G>A on transcript NM_001164508.2 (MANE Select); coding-DNA position 9702, G replaced by A.
Protein change: p.Gln3234=; no amino-acid change (glutamine 3234 retained).
Molecular consequence: synonymous variant.
Genome position (GRCh38, 1-based): chr2:151,630,736, C>T on the plus strand (G>A on the coding strand, the complement: NEB is on the minus strand). VCF-style: chr2-151630736-C-T. GRCh37 (hg19) VCF-style: chr2-152487250-C-T.
Other names: p.Gln3234=; c.9702G>A, p.Gln3234= (NM_001164507.2, NM_001271208.2); c.8973G>A, p.Gln2991= (NM_004543.5).
Identifiers: ClinVar variation 1138345 (VCV001138345.10), dbSNP rs1231131080, ClinGen allele CA429239990.
Genomic context (GRCh38, chr2:151,630,736, plus strand): 5'-CCACCACCACAATATAGCACCACAGATTTTTGCTCCTACCTCACTGTAGTTGATTTTGTT[C>T]TGCCTTGCCAACATAATCTCTGGTGTATCAGGCATTATGTGAATTTGAGTCTTGTCTTTG-3'
Protein context (NP_001157980.2, residues 3224-3244): PDTPEIMLAR[Gln3234=]NKINYSETLY

ClinVar aggregate classification (germline): Likely benign. Review status: criteria provided, multiple submitters, no conflicts (2 of 4 stars). 2 submissions from 2 submitters: Likely benign (2). Last evaluated 2025-10-08.

Conditions:
Nemaline myopathy 2 (NEM2). Also called: Nemaline myopathy 2, autosomal recessive. Identifiers: MedGen C1850569, MONDO:0009725, OMIM 256030.

Allele frequency attached by ClinVar (database versions not stated): gnomAD 0.00002; gnomAD exomes 0.00002 and 0.00004; TOPMed 0.00002.
gnomAD v4.1: 54 of 1,608,868 alleles (0.0034%); highest among the groups gnomAD compares: Non-Finnish European, 0.0045%; no homozygotes.

Submissions (2):

Labcorp Genetics (formerly Invitae), Labcorp
Classification: Likely benign for Nemaline myopathy 2. Last evaluated: 2025-10-08. Review status: criteria provided, single submitter. Criteria: Invitae Variant Classification Sherloc (09022015). Collection method: clinical testing. Allele origin: germline.

Mayo Clinic Laboratories, Mayo Clinic
Classification: Likely benign. Last evaluated: 2025-07-01. Review status: criteria provided, single submitter. Criteria: ACMG Guidelines, 2015. Collection method: clinical testing. Allele origin: germline. Observed: 1 variant allele.
Comment: BP4, BP7